The following is an entry in ClinVar:

ClinVar aggregate classification (germline): Benign. Review status: criteria provided, multiple submitters, no conflicts (2 of 4 stars). 3 submissions from 3 submitters: Benign (2). 1 of the submissions does not count toward it. Last evaluated 2019-02-28.

Conditions:
KCNB2-related disorder. Also called: KCNB2-related condition.

Allele frequency attached by ClinVar (database versions not stated): 1000 Genomes Project 30x 0.23579; 1000 Genomes Project 0.23622; TOPMed 0.32519; ExAC 0.33092; gnomAD exomes 0.33439 and 0.39548; gnomAD 0.33690 and 0.34249; ESP Exome Variant Server 0.35030.
gnomAD v4.1: 627,937 of 1,613,696 alleles (39%); highest among the groups gnomAD compares: Non-Finnish European, 43%; 127,773 homozygotes.

Submissions (3):

GeneDx
Classification: Benign. Last evaluated: 2019-02-28. Review status: criteria provided, single submitter. Criteria: GeneDx Variant Classification Process June 2021. Collection method: clinical testing. Allele origin: germline. Affected: yes.

Breakthrough Genomics
Classification: Benign. Review status: criteria provided, single submitter. Criteria: ACMG Guidelines, 2015. Collection method: not provided. Allele origin: germline. Inheritance: Unknown mechanism. Affected: yes.

PreventionGenetics, part of Exact Sciences
Classification: Benign for KCNB2-related condition. Last evaluated: 2019-10-16. Review status: no assertion criteria provided. Collection method: clinical testing. Allele origin: germline. Not counted in ClinVar's aggregate classification.
Comment: This variant is classified as benign based on ACMG/AMP sequence variant interpretation guidelines (Richards et al. 2015 PMID: 25741868, with internal and published modifications).

NM_004770.3(KCNB2):c.2613G>A (p.Val871=)

Gene: KCNB2 (potassium voltage-gated channel subfamily B member 2; plus strand). Cytogenetic location: 8q21.11.
Variant type: single nucleotide variant.
Coding change: c.2613G>A on transcript NM_004770.3 (MANE Select); coding-DNA position 2613, G replaced by A.
Protein change: p.Val871=; no amino-acid change (valine 871 retained).
Molecular consequence: synonymous variant.
Genome position (GRCh38, 1-based): chr8:72,937,968, G>A. VCF-style: chr8-72937968-G-A. GRCh37 (hg19) VCF-style: chr8-73850203-G-A.
Identifiers: ClinVar variation 1226816 (VCV001226816.6), dbSNP rs11782118, ClinGen allele CA4781796.